The following is an entry in ClinVar:

NM_022095.4(ZNF335):c.1855C>T (p.Arg619Cys)

Gene: ZNF335 (zinc finger protein 335; minus strand). Cytogenetic location: 20q13.12.
Variant type: single nucleotide variant.
Coding change: c.1855C>T on transcript NM_022095.4 (MANE Select); coding-DNA position 1855, C replaced by T.
Protein change: p.Arg619Cys; replaces arginine 619 with cysteine.
Molecular consequence: missense variant.
Genome position (GRCh38, 1-based): chr20:45,960,453, G>A on the plus strand (C>T on the coding strand, the complement: ZNF335 is on the minus strand). VCF-style: chr20-45960453-G-A. GRCh37 (hg19) VCF-style: chr20-44589092-G-A.
Other names: c.1855C>T (NM_022095.3); short protein forms R619C.
Identifiers: ClinVar variation 2191352 (VCV002191352.5), dbSNP rs144619729, ClinGen allele CA9885577.

ClinVar aggregate classification (germline): Uncertain significance. Review status: criteria provided, multiple submitters, no conflicts (2 of 4 stars). 2 submissions from 2 submitters: Uncertain significance (2). Last evaluated 2025-01-21.

Conditions:
Inborn genetic diseases. Identifiers: MedGen C0950123, MeSH D030342.

Allele frequency attached by ClinVar (database versions not stated): gnomAD 0.00008; gnomAD exomes 0.00008; ExAC 0.00010; TOPMed 0.00012; ESP Exome Variant Server 0.00008.
gnomAD v4.1: 126 of 1,614,166 alleles (0.0078%); highest among the groups gnomAD compares: Admixed American, 0.012%; no homozygotes.

Submissions (2):

Ambry Genetics
Classification: Uncertain significance for Inborn genetic diseases. Last evaluated: 2025-01-21. Review status: criteria provided, single submitter. Criteria: Ambry Variant Classification Scheme 2023. Collection method: clinical testing. Allele origin: germline.

Labcorp Genetics (formerly Invitae), Labcorp
Classification: Uncertain significance. Last evaluated: 2024-05-29. Review status: criteria provided, single submitter. Criteria: Invitae Variant Classification Sherloc (09022015). Collection method: clinical testing. Allele origin: germline.
Comment: This sequence change replaces arginine, which is basic and polar, with cysteine, which is neutral and slightly polar, at codon 619 of the ZNF335 protein (p.Arg619Cys). This variant is present in population databases (rs144619729, gnomAD 0.02%). This variant has not been reported in the literature in individuals affected with ZNF335-related conditions. ClinVar contains an entry for this variant (Variation ID: 2191352). Advanced modeling of protein sequence and biophysical properties (such as structural, functional, and spatial information, amino acid conservation, physicochemical variation, residue mobility, and thermodynamic stability) performed at Invitae indicates that this missense variant is not expected to disrupt ZNF335 protein function with a negative predictive value of 80%. In summary, the available evidence is currently insufficient to determine the role of this variant in disease. Therefore, it has been classified as a Variant of Uncertain Significance.